The following is an entry in ClinVar:

ClinVar aggregate classification (germline): Uncertain significance. Review status: criteria provided, multiple submitters, no conflicts (2 of 4 stars). 2 submissions from 2 submitters: Uncertain significance (2). Last evaluated 2024-07-01.

Conditions:
Familial colorectal cancer type X. Identifiers: Orphanet 440437, MedGen C3896578, MONDO:0018604.

gnomAD v4.1: 7 of 1,605,244 alleles (0.00044%); highest among the groups gnomAD compares: Non-Finnish European, 0.00051%; no homozygotes.

Submissions (2):

Labcorp Genetics (formerly Invitae), Labcorp
Classification: Uncertain significance. Last evaluated: 2024-07-01. Review status: criteria provided, single submitter. Criteria: Invitae Variant Classification Sherloc (09022015). Collection method: clinical testing. Allele origin: germline.
Comment: This sequence change replaces threonine, which is neutral and polar, with isoleucine, which is neutral and non-polar, at codon 64 of the RPS20 protein (p.Thr64Ile). This variant is not present in population databases (gnomAD no frequency). This variant has not been reported in the literature in individuals affected with RPS20-related conditions. An algorithm developed to predict the effect of missense changes on protein structure and function (PolyPhen-2) suggests that this variant is likely to be disruptive. In summary, the available evidence is currently insufficient to determine the role of this variant in disease. Therefore, it has been classified as a Variant of Uncertain Significance.

Department of Pathology and Laboratory Medicine, Sinai Health System
Classification: Uncertain significance for Familial colorectal cancer type X. Last evaluated: 2021-11-15. Review status: criteria provided, single submitter. Criteria: ACMG Guidelines, 2015. Collection method: clinical testing. Allele origin: germline. Affected: yes.

NM_001023.4(RPS20):c.191C>T (p.Thr64Ile)

Gene: RPS20 (ribosomal protein S20; minus strand). Cytogenetic location: 8q12.1.
Variant type: single nucleotide variant.
Coding change: c.191C>T on transcript NM_001023.4 (MANE Select); coding-DNA position 191, C replaced by T.
Protein change: p.Thr64Ile; replaces threonine 64 with isoleucine.
Molecular consequence: missense variant.
Genome position (GRCh38, 1-based): chr8:56,073,259, G>A on the plus strand (C>T on the coding strand, the complement: RPS20 is on the minus strand). VCF-style: chr8-56073259-G-A. GRCh37 (hg19) VCF-style: chr8-56985818-G-A.
Other names: c.191C>T, p.Thr64Ile (NM_001146227.3); short protein forms T64I.
Identifiers: ClinVar variation 3703790 (VCV003703790.3), dbSNP rs142278807.